The following is an entry in ClinVar:

ClinVar aggregate classification (germline): Uncertain significance. Review status: criteria provided, multiple submitters, no conflicts (2 of 4 stars). 2 submissions from 2 submitters: Uncertain significance (2). Last evaluated 2025-02-24.

Conditions:
Primary ciliary dyskinesia. Also called: Ciliary dyskinesia. Identifiers: Orphanet 244, MedGen C0008780, MONDO:0016575, HP:0012265.
Primary ciliary dyskinesia 6. Also called: Primary Ciliary Dyskinesia 6: TXNDC3-Related Primary Ciliary Dyskinesia. Identifiers: Orphanet 244, MedGen C1970506, MONDO:0012571, OMIM 610852.

Allele frequency attached by ClinVar (database versions not stated): gnomAD exomes below 0.00001; ExAC 0.00001; TOPMed 0.00002.
gnomAD v4.1: 2 of 1,612,750 alleles (0.00012%); highest among the groups gnomAD compares: Admixed American, 0.0033%; no homozygotes.

Submissions (2):

Ambry Genetics
Classification: Uncertain significance for Primary ciliary dyskinesia. Last evaluated: 2025-02-24. Review status: criteria provided, single submitter. Criteria: Ambry Variant Classification Scheme 2023. Collection method: clinical testing. Allele origin: germline.

Labcorp Genetics (formerly Invitae), Labcorp
Classification: Uncertain significance for Primary ciliary dyskinesia 6. Last evaluated: 2023-08-30. Review status: criteria provided, single submitter. Criteria: Invitae Variant Classification Sherloc (09022015). Collection method: clinical testing. Allele origin: germline.
Comment: Advanced modeling of protein sequence and biophysical properties (such as structural, functional, and spatial information, amino acid conservation, physicochemical variation, residue mobility, and thermodynamic stability) performed at Invitae indicates that this missense variant is not expected to disrupt NME8 protein function. This variant has not been reported in the literature in individuals affected with NME8-related conditions. This variant is present in population databases (rs779061373, gnomAD 0.003%). This sequence change replaces proline, which is neutral and non-polar, with serine, which is neutral and polar, at codon 305 of the NME8 protein (p.Pro305Ser). In summary, the available evidence is currently insufficient to determine the role of this variant in disease. Therefore, it has been classified as a Variant of Uncertain Significance.

NM_016616.5(NME8):c.913C>T (p.Pro305Ser)

Gene: NME8 (NME/NM23 family member 8; plus strand). Cytogenetic location: 7p14.1.
Variant type: single nucleotide variant.
Coding change: c.913C>T on transcript NM_016616.5 (MANE Select); coding-DNA position 913, C replaced by T.
Protein change: p.Pro305Ser; replaces proline 305 with serine.
Molecular consequence: missense variant.
Genome position (GRCh38, 1-based): chr7:37,876,926, C>T. VCF-style: chr7-37876926-C-T. GRCh37 (hg19) VCF-style: chr7-37916528-C-T.
Other names: c.913C>T (NM_016616.4); short protein forms P305S.
Identifiers: ClinVar variation 2738834 (VCV002738834.4), dbSNP rs779061373, ClinGen allele CA4222362.